The following is an entry in ClinVar:

ClinVar aggregate classification (germline): Pathogenic (1 of 4 stars; one submission).

Conditions:
Hereditary angioedema type 1 (HAE1). Identifiers: Orphanet 100050, Orphanet 100051, Orphanet 91378, MedGen C2717906, MONDO:0015053, OMIM 106100.

Submission:

DNA-diagnostics Laboratory, Research Centre For Medical Genetics
Classification: Pathogenic for Hereditary angioedema type 1. Last evaluated: 2024-08-04. Review status: criteria provided, single submitter. Criteria: ACMG Guidelines, 2015. Collection method: research. Allele origin: germline. Inheritance: Autosomal dominant inheritance. Affected: yes. Observed: 4 variant alleles, 4 heterozygotes. Clinical features observed: Angioedema (HP:0100665), C1 esterase inhibitor deficiency.
Comment: The pathogenic or likely pathogenic SERPING1 gene variants are detected in >90% of the HAE1/2 cases and in >80% of the total HAE cases (e.g., Pappalardo et al., 2008, Gösswein et al., 2008, López-Lera et al., 2011). Across all SERPING1 gene exons, about 50% of the pathogenic or likely pathogenic variants associated with HAE are LoF (173/297 in ClinVar or 292/596 in HGMD 2022.1). The c.403_404del variant in SERPING1 is localized in exon 3 from total of eight gene exons assembling biologically-relevant transcripts, and it is predicted to result in the p.His136Phefs*120 frameshift and NMD. Additionally more than 3 LoF variants of the exon 3 SERPING1 gene are pathogenic without the PVS1 criterion: for example, such variants as c.346C>T (p.Gln116*, Pappalardo et al., 2000, Andrejević et al., 2015), c.120_121del (ClinVar ID: 3248624), c.550+5G>A (ClinVar ID: 3248617) and c.550G>A (p.Gly184Arg, ClinVar ID: 68253). The c.403_404del variant has been reported in 2 HAE1 families (Ponard et all, 2020) and in our study it was revealed in 2 additional HAE1 families (in 2 sibs and their mother and in 1 proband with a family HAE history). This variant has not been reported in a large population database. In summary, the c.403_404del variant in SERPING1 meets ACMG/ClinGen SVI guidance criteria to be classified as pathogenic: PVS1, PP4_Str, PS4_Mod, PM2_Sup, PP1

Literature cited by the submitters: DOI 10.1002/humu.23917; DOI 10.1159/2F000138883; DOI 10.1016/j.molimm.2008.05.007; DOI 10.1016/j.molimm.2011.07.010; PubMed 11112899; DOI 10.1371/journal.pone.0142174.

NM_000062.3(SERPING1):c.403_404del (p.His136fs)

Gene: SERPING1 (serpin family G member 1; plus strand). Cytogenetic location: 11q12.1.
Variant type: Microsatellite.
Coding change: c.403_404del on transcript NM_000062.3 (MANE Select); coding-DNA positions 403 to 404, 2 bases deleted (AG; older notation c.403_404delAG).
Protein change: p.His136fs; shifts the reading frame from histidine 136.
Molecular consequence: frameshift variant.
Genome position (GRCh38, 1-based): chr11:57,600,230-57,600,231, AG deleted; deleting any 2 consecutive bases within chr11:57,600,227-57,600,231 gives the same sequence; the c. name uses the placement nearest the transcript's 3' end. VCF-style (leftmost placement, unchanged base first): chr11-57600226-GGA-G. GRCh37 (hg19) VCF-style: chr11-57367699-GGA-G.
Other names: c.403_404del, p.His136fs (NM_001032295.2); short protein forms H136fs.
Identifiers: ClinVar variation 3335949 (VCV003335949.2).